The following is an entry in ClinVar:

NM_152564.5(VPS13B):c.3439G>T (p.Glu1147Ter)

Gene: VPS13B (vacuolar protein sorting 13 homolog B; plus strand). Cytogenetic location: 8q22.2.
Variant type: single nucleotide variant.
Coding change: c.3439G>T on transcript NM_152564.5 (MANE Select); coding-DNA position 3439, G replaced by T.
Protein change: p.Glu1147Ter; replaces glutamic acid 1147 with a stop codon.
Molecular consequence: nonsense.
Genome position (GRCh38, 1-based): chr8:99,442,629, G>T. VCF-style: chr8-99442629-G-T. GRCh37 (hg19) VCF-style: chr8-100454857-G-T.
Other names: c.3439G>T, p.Glu1147Ter (NM_017890.5); short protein forms E1147*.
Identifiers: ClinVar variation 1725511 (VCV001725511.2), dbSNP rs2490163685, ClinGen allele CA371871137.

ClinVar aggregate classification (germline): Likely pathogenic (1 of 4 stars; one submission).

Conditions:
Cohen syndrome (COH1). Also called: PEPPER SYNDROME; Cutis verticis gyrata, retinitis pigmentosa, and sensorineural deafness. Identifiers: Orphanet 193, MedGen C0265223, MONDO:0008999, OMIM 216550.

Submission:

Myriad Genetics, Inc.
Classification: Likely pathogenic for Cohen syndrome. Last evaluated: 2022-03-29. Review status: criteria provided, single submitter. Criteria: Myriad Women's Health Autosomal Recessive and X-Linked Classification Criteria (2021). Collection method: clinical testing. Allele origin: unknown.
Comment: NM_017890.4(VPS13B):c.3439G>T(E1147*) is expected to be pathogenic in the context of Cohen syndrome. This variant is predicted to lead to an abnormal or absent protein product due to the creation of a premature termination codon in VPS13B, a gene where loss-of-function variants are known to be pathogenic. Please note: this variant was assessed in the context of healthy population screening.